The following is an entry in ClinVar:

ClinVar aggregate classification (germline): Uncertain significance (1 of 4 stars; one submission).

Conditions:
Familial melanoma. Also called: Hereditary melanoma; Hereditary cutaneous melanoma. Identifiers: Orphanet 618, MedGen C1512419, MONDO:0018961.

Submission:

Labcorp Genetics (formerly Invitae), Labcorp
Classification: Uncertain significance for Familial melanoma. Last evaluated: 2022-02-20. Review status: criteria provided, single submitter. Criteria: Invitae Variant Classification Sherloc (09022015). Collection method: clinical testing. Allele origin: germline.
Comment: Algorithms developed to predict the effect of missense changes on protein structure and function output the following: SIFT: "Deleterious"; PolyPhen-2: "Benign"; Align-GVGD: "Class C0". The histidine amino acid residue is found in multiple mammalian species, which suggests that this missense change does not adversely affect protein function. In summary, the available evidence is currently insufficient to determine the role of this variant in disease. Therefore, it has been classified as a Variant of Uncertain Significance. ClinVar contains an entry for this variant (Variation ID: 1014049). This variant has not been reported in the literature in individuals affected with CDK4-related conditions. This variant is not present in population databases (gnomAD no frequency). This sequence change replaces proline, which is neutral and non-polar, with histidine, which is basic and polar, at codon 250 of the CDK4 protein (p.Pro250His).

NM_000075.4(CDK4):c.749C>A (p.Pro250His)

Genes: CDK4 (cyclin dependent kinase 4; minus strand), TSPAN31 (tetraspanin 31; plus strand). Cytogenetic location: 12q14.1.
Variant type: single nucleotide variant.
Coding change: c.749C>A on transcript NM_000075.4 (MANE Select); coding-DNA position 749, C replaced by A.
Protein change: p.Pro250His; replaces proline 250 with histidine.
Molecular consequence: missense variant. On other transcripts: 3 prime UTR variant (3).
Genome position (GRCh38, 1-based): chr12:57,749,252, G>T on the plus strand (C>A on the coding strand, the complement: CDK4 is on the minus strand). VCF-style: chr12-57749252-G-T. GRCh37 (hg19) VCF-style: chr12-58143035-G-T.
Other names: c.*1962G>T (NM_001330168.2, NM_001330169.2, NM_005981.5); short protein forms P250H.
Identifiers: ClinVar variation 1014049 (VCV001014049.8), dbSNP rs1955201479, ClinGen allele CA385543346.